The following is an entry in ClinVar:

ClinVar aggregate classification (germline): Likely benign. Review status: criteria provided, single submitter (1 of 4 stars). 2 submissions from 2 submitters: Likely benign (1). 1 of the submissions does not count toward it. Last evaluated 2025-05-18.

Conditions:
CTDP1-related disorder. Also called: CTDP1-related condition.

Allele frequency attached by ClinVar (database versions not stated): TOPMed 0.00003; gnomAD 0.00007; ESP Exome Variant Server 0.00008; gnomAD exomes 0.00011; ExAC 0.00021.
gnomAD v4.1: 166 of 1,613,904 alleles (0.01%); highest among the groups gnomAD compares: South Asian, 0.16%; 2 homozygotes.

Submissions (2):

Labcorp Genetics (formerly Invitae), Labcorp
Classification: Likely benign. Last evaluated: 2025-05-18. Review status: criteria provided, single submitter. Criteria: Invitae Variant Classification Sherloc (09022015). Collection method: clinical testing. Allele origin: germline.

PreventionGenetics, part of Exact Sciences
Classification: Likely benign for CTDP1-related condition. Last evaluated: 2024-01-23. Review status: no assertion criteria provided. Collection method: clinical testing. Allele origin: germline. Not counted in ClinVar's aggregate classification.
Comment: This variant is classified as likely benign based on ACMG/AMP sequence variant interpretation guidelines (Richards et al. 2015 PMID: 25741868, with internal and published modifications).

NM_004715.5(CTDP1):c.2535G>A (p.Pro845=)

Gene: CTDP1 (CTD phosphatase subunit 1; plus strand). Cytogenetic location: 18q23.
Variant type: single nucleotide variant.
Coding change: c.2535G>A on transcript NM_004715.5 (MANE Select); coding-DNA position 2535, G replaced by A.
Protein change: p.Pro845=; no amino-acid change (proline 845 retained).
Molecular consequence: synonymous variant. On other transcripts: intron variant (1).
Genome position (GRCh38, 1-based): chr18:79,729,024, G>A. VCF-style: chr18-79729024-G-A. GRCh37 (hg19) VCF-style: chr18-77489024-G-A.
Other names: c.2178G>A, p.Pro726= (NM_001202504.1); c.2535G>A, p.Pro845= (NM_001318511.2); c.2418-7331G>A (NM_048368.4).
Identifiers: ClinVar variation 2421354 (VCV002421354.9), dbSNP rs377764231, ClinGen allele CA9010631.